The following is an entry in ClinVar:

NM_004211.5(SLC6A5):c.679+3A>G

Gene: SLC6A5 (solute carrier family 6 member 5; plus strand). Cytogenetic location: 11p15.1.
Variant type: single nucleotide variant.
Coding change: c.679+3A>G on transcript NM_004211.5 (MANE Select); 3 bases into the intron after coding-DNA position 679, A replaced by G.
Molecular consequence: intron variant.
Genome position (GRCh38, 1-based): chr11:20,604,427, A>G. VCF-style: chr11-20604427-A-G. GRCh37 (hg19) VCF-style: chr11-20625973-A-G.
Other names: c.-23-2580A>G (NM_001318369.2).
Identifiers: ClinVar variation 1352975 (VCV001352975.5), dbSNP rs1455458043, ClinGen allele CA674511453.

ClinVar aggregate classification (germline): Uncertain significance (1 of 4 stars; one submission).

Conditions:
Hyperekplexia 3 (HKPX3). Also called: HYPEREKPLEXIA 3, AUTOSOMAL RECESSIVE; HYPEREKPLEXIA 3, AUTOSOMAL DOMINANT. Identifiers: Orphanet 3197, MedGen C3553288, MONDO:0013827, OMIM 614618.

Allele frequency attached by ClinVar (database versions not stated): gnomAD 0.00001; TOPMed 0.00001.
gnomAD v4.1: 1 of 1,604,252 alleles (0.000062%); highest among the groups gnomAD compares: African/African-American, 0.0013%; no homozygotes.

Submission:

Labcorp Genetics (formerly Invitae), Labcorp
Classification: Uncertain significance for Hyperekplexia 3. Last evaluated: 2024-02-17. Review status: criteria provided, single submitter. Criteria: Invitae Variant Classification Sherloc (09022015). Collection method: clinical testing. Allele origin: germline.
Comment: This sequence change falls in intron 3 of the SLC6A5 gene. It does not directly change the encoded amino acid sequence of the SLC6A5 protein. It affects a nucleotide within the consensus splice site. This variant is not present in population databases (gnomAD no frequency). This variant has not been reported in the literature in individuals affected with SLC6A5-related conditions. ClinVar contains an entry for this variant (Variation ID: 1352975). Variants that disrupt the consensus splice site are a relatively common cause of aberrant splicing (PMID: 17576681, 9536098). Algorithms developed to predict the effect of sequence changes on RNA splicing suggest that this variant may disrupt the consensus splice site. In summary, the available evidence is currently insufficient to determine the role of this variant in disease. Therefore, it has been classified as a Variant of Uncertain Significance.

Literature cited by the submitters: PubMed 17576681; PubMed 9536098.